The following is an entry in ClinVar:

ClinVar aggregate classification (germline): Conflicting classifications of pathogenicity. Review status: criteria provided, conflicting classifications (1 of 4 stars). 10 submissions from 9 submitters: Uncertain significance (7); Benign (1); Likely benign (2). Last evaluated 2026-05-01.

Conditions:
Autosomal recessive ataxia, Beauce type. Also called: SYNE1-Related Autosomal Recessive Cerebellar Ataxia; ATAXIA, RECESSIVE, OF BEAUCE; SYNE1 Deficiency; Spinocerebellar ataxia, autosomal recessive 8. Identifiers: Orphanet 88644, MedGen C1853116, MONDO:0012549, OMIM 610743.
Emery-Dreifuss muscular dystrophy 4, autosomal dominant (EDMD4). Also called: EMERY-DREIFUSS MUSCULAR DYSTROPHY 4 WITH VARIABLE FEATURES. Identifiers: Orphanet 261, MedGen C2751807, MONDO:0013071, OMIM 612998.

Allele frequency attached by ClinVar (database versions not stated): ExAC 0.00007; gnomAD exomes 0.00011 and 0.00025; ESP Exome Variant Server 0.00015; gnomAD 0.00017 and 0.00019; TOPMed 0.00017.
gnomAD v4.1: 404 of 1,613,926 alleles (0.025%); highest among the groups gnomAD compares: East Asian, 0.042%; no homozygotes.

Submissions (10):

CeGaT Center for Human Genetics Tuebingen
Classification: Likely benign. Last evaluated: 2026-05-01. Review status: criteria provided, single submitter. Criteria: CeGaT Center For Human Genetics Tuebingen Variant Classification Criteria Version 2. Collection method: clinical testing. Allele origin: germline. Affected: yes. Observed: 2 variant alleles.
Comment: SYNE1: BP4

Athena Diagnostics
Classification: Uncertain significance. Last evaluated: 2025-11-05. Review status: criteria provided, single submitter. Criteria: Athena Diagnostics Criteria. Collection method: clinical testing. Allele origin: unknown.
Comment: Available data are insufficient to determine the clinical significance of the variant at this time. The frequency of this variant in the general population is uninformative in assessment of its pathogenicity. Polyphen and MutationTaster predict this amino acid change may be benign.

Mayo Clinic Laboratories, Mayo Clinic
Classification: Uncertain significance. Last evaluated: 2024-12-20. Review status: criteria provided, single submitter. Criteria: ACMG Guidelines, 2015. Collection method: clinical testing. Allele origin: germline. Observed: 2 variant alleles.
Comment: BP4_moderate

Revvity Omics, Revvity
Classification: Uncertain significance. Last evaluated: 2024-12-12. Review status: criteria provided, single submitter. Criteria: ACMG Guidelines, 2015. Collection method: clinical testing. Allele origin: germline.

Blueprint Genetics
Classification: Likely benign. Last evaluated: 2024-03-20. Review status: criteria provided, single submitter. Criteria: ACMG Guidelines, 2015. Collection method: clinical testing. Allele origin: germline.

Labcorp Genetics (formerly Invitae), Labcorp
Classification: Uncertain significance for Emery-Dreifuss muscular dystrophy 4, autosomal dominant; Autosomal recessive ataxia, Beauce type. Last evaluated: 2022-05-21. Review status: criteria provided, single submitter. Criteria: Invitae Variant Classification Sherloc (09022015). Collection method: clinical testing. Allele origin: germline.
Comment: This sequence change replaces arginine, which is basic and polar, with histidine, which is basic and polar, at codon 3499 of the SYNE1 protein (p.Arg3499His). This variant is present in population databases (rs148522587, gnomAD 0.02%). This variant has not been reported in the literature in individuals affected with SYNE1-related conditions. ClinVar contains an entry for this variant (Variation ID: 198363). Algorithms developed to predict the effect of missense changes on protein structure and function are either unavailable or do not agree on the potential impact of this missense change (SIFT: "Deleterious"; PolyPhen-2: "Benign"; Align-GVGD: "Class C0"). In summary, the available evidence is currently insufficient to determine the role of this variant in disease. Therefore, it has been classified as a Variant of Uncertain Significance.

Fulgent Genetics
Classification: Uncertain significance for Autosomal recessive ataxia, Beauce type; Emery-Dreifuss muscular dystrophy 4, autosomal dominant. Last evaluated: 2018-10-31. Review status: criteria provided, single submitter. Criteria: ACMG Guidelines, 2015. Collection method: clinical testing. Allele origin: unknown.

Illumina Laboratory Services, Illumina
Classification: Benign for Emery-Dreifuss muscular dystrophy 4, autosomal dominant. Last evaluated: 2018-01-13. Review status: criteria provided, single submitter. Criteria: ICSL Variant Classification Criteria 13 December 2019. Collection method: clinical testing. Allele origin: germline.
Comment: This variant was observed in the ICSL laboratory as part of a predisposition screen in an ostensibly healthy population. It had not been previously curated by ICSL or reported in the Human Gene Mutation Database (HGMD: prior to June 1st, 2018), and was therefore a candidate for classification through an automated scoring system. Utilizing variant allele frequency, disease prevalence and penetrance estimates, and inheritance mode, an automated score was calculated to assess if this variant is too frequent to cause the disease. Based on the score and internal cut-off values, a variant classified as benign is not then subjected to further curation. The score for this variant resulted in a classification of benign for this disease.

Illumina Laboratory Services, Illumina
Classification: Uncertain significance for Autosomal recessive ataxia, Beauce type. Last evaluated: 2018-01-13. Review status: criteria provided, single submitter. Criteria: ICSL Variant Classification Criteria 13 December 2019. Collection method: clinical testing. Allele origin: germline.

Eurofins Ntd Llc (ga)
Classification: Uncertain significance. Last evaluated: 2015-03-18. Review status: criteria provided, single submitter. Criteria: EGL Classification Definitions 2015. Collection method: clinical testing. Allele origin: germline. Observed: 2 variant alleles, 2 heterozygotes.

NM_182961.4(SYNE1):c.10475G>A (p.Arg3492His)

Gene: SYNE1 (spectrin repeat containing nuclear envelope protein 1; minus strand). Cytogenetic location: 6q25.2.
Variant type: single nucleotide variant.
Coding change: c.10475G>A on transcript NM_182961.4 (MANE Select); coding-DNA position 10475, G replaced by A.
Protein change: p.Arg3492His; replaces arginine 3492 with histidine.
Molecular consequence: missense variant.
Genome position (GRCh38, 1-based): chr6:152,358,506, C>T on the plus strand (G>A on the coding strand, the complement: SYNE1 is on the minus strand). VCF-style: chr6-152358506-C-T. GRCh37 (hg19) VCF-style: chr6-152679641-C-T.
Other names: p.Arg3499His; c.10475G>A (NM_182961.2); c.10496G>A, p.Arg3499His (NM_033071.5); short protein forms R3492H, R3499H.
Identifiers: ClinVar variation 198363 (VCV000198363.45), dbSNP rs148522587, ClinGen allele CA246974.